The following is an entry in ClinVar:

NM_001111125.3(IQSEC2):c.2984G>C (p.Arg995Pro)

Gene: IQSEC2 (IQ motif and Sec7 domain ArfGEF 2; minus strand). Cytogenetic location: Xp11.22.
Variant type: single nucleotide variant.
Coding change: c.2984G>C on transcript NM_001111125.3 (MANE Select); coding-DNA position 2984, G replaced by C.
Protein change: p.Arg995Pro; replaces arginine 995 with proline.
Molecular consequence: missense variant.
Genome position (GRCh38, 1-based): chrX:53,241,815, C>G on the plus strand (G>C on the coding strand, the complement: IQSEC2 is on the minus strand). VCF-style: chrX-53241815-C-G. GRCh37 (hg19) VCF-style: chrX-53270997-C-G.
Other names: c.2984G>C, p.Arg995Pro (NM_001410736.1); c.2369G>C, p.Arg790Pro (NM_015075.2); short protein forms R790P, R995P.
Identifiers: ClinVar variation 2017921 (VCV002017921.4), dbSNP rs886041767, ClinGen allele CA413148933.

ClinVar aggregate classification (germline): Likely pathogenic (1 of 4 stars; one submission).

Conditions:
Intellectual developmental disorder, X-linked 1. Also called: Atkin Flaitz Patil Smith syndrome; MENTAL RETARDATION, X-LINKED 18; MENTAL RETARDATION, X-LINKED 78; Intellectual disability, X-linked 1. Identifiers: Orphanet 777, MedGen C2931498, MONDO:0010656, OMIM 309530.

Submission:

Labcorp Genetics (formerly Invitae), Labcorp
Classification: Likely pathogenic for Intellectual developmental disorder, X-linked 1. Last evaluated: 2025-02-02. Review status: criteria provided, single submitter. Criteria: Invitae Variant Classification Sherloc (09022015). Collection method: clinical testing. Allele origin: germline.
Comment: This sequence change replaces arginine, which is basic and polar, with proline, which is neutral and non-polar, at codon 995 of the IQSEC2 protein (p.Arg995Pro). This variant is not present in population databases (gnomAD no frequency). This missense change has been observed in individual(s) with clinical features of IQSEC2-related conditions (PMID: 37393059). ClinVar contains an entry for this variant (Variation ID: 2017921). Invitae Evidence Modeling of protein sequence and biophysical properties (such as structural, functional, and spatial information, amino acid conservation, physicochemical variation, residue mobility, and thermodynamic stability) indicates that this missense variant is expected to disrupt IQSEC2 protein function with a positive predictive value of 95%. This variant disrupts the p.Arg995 amino acid residue in IQSEC2. Other variant(s) that disrupt this residue have been determined to be pathogenic (PMID: 29322350). This suggests that this residue is clinically significant, and that variants that disrupt this residue are likely to be disease-causing. In summary, the currently available evidence indicates that the variant is pathogenic, but additional data are needed to prove that conclusively. Therefore, this variant has been classified as Likely Pathogenic.

Literature cited by the submitters: PubMed 37393059; PubMed 29322350.